The following is an entry in ClinVar:

ClinVar aggregate classification (germline): Conflicting classifications of pathogenicity. Review status: criteria provided, conflicting classifications (1 of 4 stars). 4 submissions from 4 submitters: Uncertain significance (1); Likely benign (3). Last evaluated 2025-10-20.

Conditions:
Myopathy with abnormal lipid metabolism. Also called: Lipid storage myopathy due to flavin adenine dinucleotide synthetase deficiency. Identifiers: MedGen C4310822, MONDO:0009703, OMIM 255100.

Allele frequency attached by ClinVar (database versions not stated): gnomAD exomes 0.00011 and 0.00025; ExAC 0.00036; ESP Exome Variant Server 0.00062; gnomAD 0.00088 and 0.00093; TOPMed 0.00101; 1000 Genomes Project 0.00140; 1000 Genomes Project 30x 0.00141.
gnomAD v4.1: 296 of 1,614,184 alleles (0.018%); highest among the groups gnomAD compares: African/African-American, 0.28%; no homozygotes.

Submissions (4):

Labcorp Genetics (formerly Invitae), Labcorp
Classification: Likely benign. Last evaluated: 2025-10-20. Review status: criteria provided, single submitter. Criteria: Invitae Variant Classification Sherloc (09022015). Collection method: clinical testing. Allele origin: germline.

Mayo Clinic Laboratories, Mayo Clinic
Classification: Likely benign. Last evaluated: 2025-07-31. Review status: criteria provided, single submitter. Criteria: ACMG Guidelines, 2015. Collection method: clinical testing. Allele origin: germline. Observed: 1 variant allele.
Comment: BS1, BP4_moderate

GeneDx
Classification: Likely benign. Last evaluated: 2020-01-14. Review status: criteria provided, single submitter. Criteria: GeneDx Variant Classification Process June 2021. Collection method: clinical testing. Allele origin: germline. Affected: yes.

Revvity Omics, Revvity
Classification: Uncertain significance for Myopathy with abnormal lipid metabolism. Last evaluated: 2019-12-12. Review status: criteria provided, single submitter. Criteria: ACMG Guidelines, 2015. Collection method: clinical testing. Allele origin: germline.

NM_025207.5(FLAD1):c.683G>A (p.Arg228His)

Gene: FLAD1 (flavin adenine dinucleotide synthetase 1; plus strand). Cytogenetic location: 1q21.3.
Variant type: single nucleotide variant.
Coding change: c.683G>A on transcript NM_025207.5 (MANE Select); coding-DNA position 683, G replaced by A.
Protein change: p.Arg228His; replaces arginine 228 with histidine.
Molecular consequence: missense variant.
Genome position (GRCh38, 1-based): chr1:154,988,415, G>A. VCF-style: chr1-154988415-G-A. GRCh37 (hg19) VCF-style: chr1-154960891-G-A.
Other names: p.Arg228His; c.392G>A, p.Arg131His (NM_001184891.2, NM_201398.3); c.386G>A, p.Arg129His (NM_001184892.2); short protein forms R129H, R131H, R228H.
Identifiers: ClinVar variation 1211105 (VCV001211105.12), dbSNP rs144986636, ClinGen allele CA1134371.